The following is an entry in ClinVar:

NM_001242896.3(DEPDC5):c.489_491del (p.Phe164del)

Gene: DEPDC5 (DEP domain containing 5, GATOR1 subcomplex subunit; plus strand). Cytogenetic location: 22q12.2.
Variant type: Deletion.
Coding change: c.489_491del on transcript NM_001242896.3 (MANE Select); coding-DNA positions 489 to 491, 3 bases deleted (GTT; older notation c.489_491delGTT).
Protein change: p.Phe164del; deletes phenylalanine 164.
Molecular consequence: inframe deletion. On other transcripts: non-coding transcript variant (5).
Genome position (GRCh38, 1-based): chr22:31,783,912-31,783,914, GTT deleted; deleting any 3 consecutive bases within chr22:31,783,911-31,783,914 gives the same sequence; the c. name uses the placement nearest the transcript's 3' end. VCF-style (leftmost placement, unchanged base first): chr22-31783910-GTGT-G. GRCh37 (hg19) VCF-style: chr22-32179896-GTGT-G.
Other names: c.489_491delGTT (NM_001242896.1); c.489_491del, p.Phe164del (NM_001007188.4, NM_001136029.4, NM_001242897.2 and 7 more transcripts); c.405_407del, p.Phe136del (NM_001369901.1, NM_001369902.1); c.489_491del (NM_001242896.1); short protein forms F164del, F136del.
Identifiers: ClinVar variation 50821 (VCV000050821.5), dbSNP rs587776974, ClinGen allele CA143793.

ClinVar aggregate classification (germline): Pathogenic. Review status: criteria provided, multiple submitters, no conflicts (2 of 4 stars). 4 submissions from 4 submitters: Pathogenic (2). 2 of the submissions do not count toward it. Last evaluated 2022-09-28.

Conditions:
DEPDC5-related disorder. Also called: DEPDC5-related condition; DEPDC5-related related disorder.
Epilepsy, familial focal, with variable foci 1 (FFEVF1). Also called: DEPDC5-Related Epilepsy. Identifiers: MedGen C4551983, MONDO:0024556, OMIM 604364.

Submissions (4):

GeneDx
Classification: Pathogenic. Last evaluated: 2022-09-28. Review status: criteria provided, single submitter. Criteria: GeneDx Variant Classification Process June 2021. Collection method: clinical testing. Allele origin: germline. Affected: yes.
Comment: In-frame deletion of 1 amino acid in a non-repeat region; Published functional studies demonstrate a damaging effect, as the variant deregulates mTORC1 inhibition in embryonic mouse neurons (Dawson et al., 2020); Not observed at significant frequency in large population cohorts (gnomAD); In silico analysis supports a deleterious effect on protein structure/function; This variant is associated with the following publications: (PMID: 27683934, 25366275, 10577924, 24283814, 26505888, 15329069, 31639411, 30093711, 34295225, 23542697)

Blueprint Genetics
Classification: Pathogenic for DEPDC5-related disorders. Last evaluated: 2022-06-29. Review status: criteria provided, single submitter. Criteria: ACMG Guidelines, 2015. Collection method: clinical testing. Allele origin: germline. Affected: yes. Observed: 2 variant alleles.

OMIM
Classification: Pathogenic for EPILEPSY, FAMILIAL FOCAL, WITH VARIABLE FOCI 1. Last evaluated: 2013-05-01. Review status: no assertion criteria provided. Collection method: literature only. Allele origin: germline. Not counted in ClinVar's aggregate classification.

GeneReviews
No classification provided. Condition: Epilepsy, familial focal, with variable foci 1. Review status: no classification provided. Collection method: literature only. Allele origin: germline. Affected: yes. Not counted in ClinVar's aggregate classification.

Literature cited by the submitters: Xiong, L., Labuda, M., Li, D.-S., Hudson, T. J., Desbiens, R., Patry, G., Verret, S., Langevin, P., Mercho, S., Seni, M.-H., Scheffer, I., Dubeau, F., Berkovic, S. F., Andermann, F., Andermann, E., Pandolfo, M. Mapping of a gene determining familial partial epilepsy with variable foci to chromosome 22q11-q12. Am. J. Hum. Genet. 65: 1698-1710, 1999. (cited by OMIM); Berkovic, S. F., Serratosa, J. M., Phillips, H. A., Xiong, L., Andermann, E., Diaz-Otero, F., Gomez-Garre, P., Martin, M., Fernandez-Bullido, Y., Andermann, F., Lopes-Cendes, I., Dubeau, F., Desbiens, R., Scheffer, I. E., Wallace, R. H., Mulley, J. C., Pandolfo, M. Familial partial epilepsy with variable foci: clinical features and linkage to chromosome 22q12. Epilepsia 45: 1054-1060, 2004. (cited by OMIM); Dibbens, L. M., de Vries, B., Donatello, S., Heron, S. E., Hodgson, B. L., Chintawar, S., Crompton, D. E., Hughes, J. N., Bellows, S. T., Klein, K. M., Callenbach, P. M. C., Corbett, M. A., and 23 others Mutations in DEPDC5 cause familial focal epilepsy with variable foci. Nature Genet. 45: 546-551, 2013. (cited by OMIM); PubMed 23542697 (cited by GeneReviews); NCBI Bookshelf NBK385626 (cited by GeneReviews).